The following is an entry in ClinVar:

ClinVar aggregate classification (germline): Uncertain significance (1 of 4 stars; one submission).

gnomAD v4.1: 1 of 1,611,578 alleles (0.000062%); highest among the groups gnomAD compares: Non-Finnish European, 0.000085%; no homozygotes.

Submission:

Labcorp Genetics (formerly Invitae), Labcorp
Classification: Uncertain significance. Last evaluated: 2022-09-07. Review status: criteria provided, single submitter. Criteria: Invitae Variant Classification Sherloc (09022015). Collection method: clinical testing. Allele origin: germline.
Comment: This sequence change replaces threonine, which is neutral and polar, with isoleucine, which is neutral and non-polar, at codon 33 of the RNF216 protein (p.Thr33Ile). This variant is not present in population databases (gnomAD no frequency). This variant has not been reported in the literature in individuals affected with RNF216-related conditions. ClinVar contains an entry for this variant (Variation ID: 1347018). Algorithms developed to predict the effect of missense changes on protein structure and function (SIFT, PolyPhen-2, Align-GVGD) all suggest that this variant is likely to be disruptive. In summary, the available evidence is currently insufficient to determine the role of this variant in disease. Therefore, it has been classified as a Variant of Uncertain Significance.

NM_207111.4(RNF216):c.98C>T (p.Thr33Ile)

Gene: RNF216 (ring finger protein 216; minus strand). Cytogenetic location: 7p22.1.
Variant type: single nucleotide variant.
Coding change: c.98C>T on transcript NM_207111.4 (MANE Select); coding-DNA position 98, C replaced by T.
Protein change: p.Thr33Ile; replaces threonine 33 with isoleucine.
Molecular consequence: missense variant.
Genome position (GRCh38, 1-based): chr7:5,752,949, G>A on the plus strand (C>T on the coding strand, the complement: RNF216 is on the minus strand). VCF-style: chr7-5752949-G-A. GRCh37 (hg19) VCF-style: chr7-5792580-G-A.
Other names: c.98C>T, p.Thr33Ile (NM_001377156.1, NM_207116.3); short protein forms T33I.
Identifiers: ClinVar variation 1347018 (VCV001347018.6), dbSNP rs2128664301, ClinGen allele CA366742127.